The following is an entry in ClinVar:

ClinVar aggregate classification (germline): Uncertain significance (1 of 4 stars; one submission).

gnomAD v4.1: 3 of 1,611,942 alleles (0.00019%); highest among the groups gnomAD compares: African/African-American, 0.0013%; no homozygotes.

Submission:

CeGaT Center for Human Genetics Tuebingen
Classification: Uncertain significance. Last evaluated: 2026-05-01. Review status: criteria provided, single submitter. Criteria: CeGaT Center For Human Genetics Tuebingen Variant Classification Criteria Version 2. Collection method: clinical testing. Allele origin: germline. Affected: yes. Observed: 1 variant allele.
Comment: TTN: PM2

NM_001267550.2(TTN):c.73831G>C (p.Val24611Leu)

Genes: TTN (titin; minus strand), TTN-AS1 (TTN antisense RNA 1; plus strand). Cytogenetic location: 2q31.2.
Variant type: single nucleotide variant.
Coding change: c.73831G>C on transcript NM_001267550.2 (MANE Select); coding-DNA position 73831, G replaced by C.
Protein change: p.Val24611Leu; replaces valine 24611 with leucine.
Molecular consequence: missense variant.
Genome position (GRCh38, 1-based): chr2:178,572,301, C>G on the plus strand (G>C on the coding strand, the complement: TTN is on the minus strand). VCF-style: chr2-178572301-C-G. GRCh37 (hg19) VCF-style: chr2-179437028-C-G.
Other names: c.68908G>C, p.Val22970Leu (NM_001256850.1); c.46636G>C, p.Val15546Leu (NM_003319.4); c.66127G>C, p.Val22043Leu (NM_133378.4); c.47011G>C, p.Val15671Leu (NM_133432.3); c.47212G>C, p.Val15738Leu (NM_133437.4); short protein forms V15546L, V15671L, V15738L, V22043L, V22970L, V24611L.
Identifiers: ClinVar variation 4873493 (VCV004873493.2).